The following is an entry in ClinVar:

ClinVar aggregate classification (germline): Uncertain significance (1 of 4 stars; one submission).

Submission:

Labcorp Genetics (formerly Invitae), Labcorp
Classification: Uncertain significance. Last evaluated: 2025-12-08. Review status: criteria provided, single submitter. Criteria: Invitae Variant Classification Sherloc (09022015). Collection method: clinical testing. Allele origin: germline.
Comment: This sequence change replaces arginine, which is basic and polar, with glycine, which is neutral and non-polar, at codon 303 of the BACH2 protein (p.Arg303Gly). This variant is not present in population databases (gnomAD no frequency). This variant has not been reported in the literature in individuals affected with BACH2-related conditions. Invitae Evidence Modeling of protein sequence and biophysical properties (such as structural, functional, and spatial information, amino acid conservation, physicochemical variation, residue mobility, and thermodynamic stability) indicates that this missense variant is not expected to disrupt BACH2 protein function with a negative predictive value of 80%. In summary, the available evidence is currently insufficient to determine the role of this variant in disease. Therefore, it has been classified as a Variant of Uncertain Significance.

NM_021813.4(BACH2):c.907A>G (p.Arg303Gly)

Gene: BACH2 (BACH transcriptional regulator 2; minus strand). Cytogenetic location: 6q15.
Variant type: single nucleotide variant.
Coding change: c.907A>G on transcript NM_021813.4 (MANE Select); coding-DNA position 907, A replaced by G.
Protein change: p.Arg303Gly; replaces arginine 303 with glycine.
Molecular consequence: missense variant.
Genome position (GRCh38, 1-based): chr6:89,951,199, T>C on the plus strand (A>G on the coding strand, the complement: BACH2 is on the minus strand). VCF-style: chr6-89951199-T-C. GRCh37 (hg19) VCF-style: chr6-90660918-T-C.
Other names: c.907A>G, p.Arg303Gly (NM_001170794.2); short protein forms R303G.
Identifiers: ClinVar variation 4770253 (VCV004770253.1).